The following is an entry in ClinVar:

ClinVar aggregate classification (germline): Likely benign. Review status: criteria provided, multiple submitters, no conflicts (2 of 4 stars). 3 submissions from 3 submitters: Likely benign (3). Last evaluated 2025-11-13.

Conditions:
ANKRD11-related disorder. Also called: ANKRD11-related condition.
Inborn genetic diseases. Identifiers: MedGen C0950123, MeSH D030342.
KBG syndrome (KBGS). Also called: ANKRD11-Related KBG Syndrome. Identifiers: Orphanet 2332, MedGen C0220687, MONDO:0007846, OMIM 148050.

Allele frequency attached by ClinVar (database versions not stated): gnomAD exomes 0.00003 and 0.00006; gnomAD 0.00004 and 0.00005; TOPMed 0.00005; ExAC 0.00006; 1000 Genomes Project 30x 0.00016; 1000 Genomes Project 0.00020.
gnomAD v4.1: 43 of 1,613,368 alleles (0.0027%); highest among the groups gnomAD compares: East Asian, 0.049%; no homozygotes.

Submissions (3):

PreventionGenetics, part of Exact Sciences
Classification: Likely benign for ANKRD11-related condition. Last evaluated: 2025-11-13. Review status: criteria provided, single submitter. Criteria: ACMG Guidelines, 2015. Collection method: clinical testing. Allele origin: germline.
Comment: This variant is classified as likely benign based on ACMG/AMP sequence variant interpretation guidelines (Richards et al. 2015 PMID: 25741868, with internal and published modifications).

Labcorp Genetics (formerly Invitae), Labcorp
Classification: Likely benign for KBG syndrome. Last evaluated: 2023-02-25. Review status: criteria provided, single submitter. Criteria: Invitae Variant Classification Sherloc (09022015). Collection method: clinical testing. Allele origin: germline.

Ambry Genetics
Classification: Likely benign for Inborn genetic diseases. Last evaluated: 2017-03-14. Review status: criteria provided, single submitter. Criteria: Ambry Variant Classification Scheme 2023. Collection method: clinical testing. Allele origin: germline.

NM_013275.6(ANKRD11):c.2841C>T (p.Ala947=)

Gene: ANKRD11 (ankyrin repeat domain 11; minus strand). Cytogenetic location: 16q24.3.
Variant type: single nucleotide variant.
Coding change: c.2841C>T on transcript NM_013275.6 (MANE Select); coding-DNA position 2841, C replaced by T.
Protein change: p.Ala947=; no amino-acid change (alanine 947 retained).
Molecular consequence: synonymous variant.
Genome position (GRCh38, 1-based): chr16:89,283,701, G>A on the plus strand (C>T on the coding strand, the complement: ANKRD11 is on the minus strand). VCF-style: chr16-89283701-G-A. GRCh37 (hg19) VCF-style: chr16-89350109-G-A.
Other names: c.2841C>T, p.Ala947= (NM_001256182.2, NM_001256183.2).
Identifiers: ClinVar variation 588890 (VCV000588890.12), dbSNP rs558841836, ClinGen allele CA8242501.